The following is an entry in ClinVar:

NM_001365479.2(USP40):c.124G>A (p.Gly42Arg)

Gene: USP40 (ubiquitin specific peptidase 40; minus strand). Cytogenetic location: 2q37.1.
Variant type: single nucleotide variant.
Coding change: c.124G>A on transcript NM_001365479.2 (MANE Select); coding-DNA position 124, G replaced by A.
Protein change: p.Gly42Arg; replaces glycine 42 with arginine.
Molecular consequence: missense variant. On other transcripts: non-coding transcript variant (6).
Genome position (GRCh38, 1-based): chr2:233,565,431, C>T on the plus strand (G>A on the coding strand, the complement: USP40 is on the minus strand). VCF-style: chr2-233565431-C-T. GRCh37 (hg19) VCF-style: chr2-234474077-C-T.
Other names: c.124G>A, p.Gly42Arg (NM_001382295.1, NM_001382296.1, NM_001382297.1 and 6 more transcripts); short protein forms G42R.
Identifiers: ClinVar variation 2611257 (VCV002611257.2), dbSNP rs566205386, ClinGen allele CA2177394.

ClinVar aggregate classification (germline): Uncertain significance (1 of 4 stars; one submission).

Allele frequency attached by ClinVar (database versions not stated): TOPMed 0.00001; gnomAD 0.00003; ExAC 0.00006; 1000 Genomes Project 0.00020; 1000 Genomes Project 30x 0.00031.
gnomAD v4.1: 26 of 1,537,220 alleles (0.0017%); highest among the groups gnomAD compares: Admixed American, 0.012%; no homozygotes.

Submission:

Ambry Genetics
Classification: Uncertain significance. Last evaluated: 2023-07-12. Review status: criteria provided, single submitter. Criteria: Ambry Variant Classification Scheme 2023. Collection method: clinical testing. Allele origin: germline.
Comment: The c.160G>A (p.G54R) alteration is located in exon (coding exon ) of the USP40 gene. This alteration results from a G to A substitution at nucleotide position 160, causing the glycine (G) at amino acid position 54 to be replaced by an arginine (R). Based on insufficient or conflicting evidence, the clinical significance of this alteration remains unclear.